The following is an entry in ClinVar:

ClinVar aggregate classification (germline): Uncertain significance. Review status: criteria provided, multiple submitters, no conflicts (2 of 4 stars). 2 submissions from 2 submitters: Uncertain significance (2). Last evaluated 2022-05-27.

Allele frequency attached by ClinVar (database versions not stated): gnomAD exomes below 0.00001 and 0.00001; ExAC 0.00001; TOPMed 0.00001.
gnomAD v4.1: 5 of 1,613,656 alleles (0.00031%); highest among the groups gnomAD compares: South Asian, 0.0022%; no homozygotes.

Submissions (2):

Labcorp Genetics (formerly Invitae), Labcorp
Classification: Uncertain significance. Last evaluated: 2022-05-27. Review status: criteria provided, single submitter. Criteria: Invitae Variant Classification Sherloc (09022015). Collection method: clinical testing. Allele origin: germline.
Comment: This sequence change replaces isoleucine, which is neutral and non-polar, with threonine, which is neutral and polar, at codon 359 of the RTTN protein (p.Ile359Thr). This variant is present in population databases (rs772137594, gnomAD 0.003%). This variant has not been reported in the literature in individuals affected with RTTN-related conditions. ClinVar contains an entry for this variant (Variation ID: 436603). Algorithms developed to predict the effect of missense changes on protein structure and function output the following: SIFT: "Tolerated"; PolyPhen-2: "Benign"; Align-GVGD: "Class C0". The threonine amino acid residue is found in multiple mammalian species, which suggests that this missense change does not adversely affect protein function. In summary, the available evidence is currently insufficient to determine the role of this variant in disease. Therefore, it has been classified as a Variant of Uncertain Significance.

Genetic Services Laboratory, University of Chicago
Classification: Uncertain significance. Last evaluated: 2015-11-19. Review status: criteria provided, single submitter. Criteria: ACMG Guidelines, 2015. Collection method: clinical testing. Allele origin: germline. Affected: no.

NM_173630.4(RTTN):c.1076T>C (p.Ile359Thr)

Gene: RTTN (rotatin; minus strand). Cytogenetic location: 18q22.2.
Variant type: single nucleotide variant.
Coding change: c.1076T>C on transcript NM_173630.4 (MANE Select); coding-DNA position 1076, T replaced by C.
Protein change: p.Ile359Thr; replaces isoleucine 359 with threonine.
Molecular consequence: missense variant. On other transcripts: 5 prime UTR variant (1).
Genome position (GRCh38, 1-based): chr18:70,190,651, A>G on the plus strand (T>C on the coding strand, the complement: RTTN is on the minus strand). VCF-style: chr18-70190651-A-G. GRCh37 (hg19) VCF-style: chr18-67857887-A-G.
Other names: c.-1478T>C (NM_001318520.2); short protein forms I359T.
Identifiers: ClinVar variation 436603 (VCV000436603.8), dbSNP rs772137594, ClinGen allele CA8996267.